The following is an entry in ClinVar:

NM_020754.4(ARHGAP31):c.151G>A (p.Val51Met)

Gene: ARHGAP31 (Rho GTPase activating protein 31; plus strand). Cytogenetic location: 3q13.33.
Variant type: single nucleotide variant.
Coding change: c.151G>A on transcript NM_020754.4 (MANE Select); coding-DNA position 151, G replaced by A.
Protein change: p.Val51Met; replaces valine 51 with methionine.
Molecular consequence: missense variant.
Genome position (GRCh38, 1-based): chr3:119,365,366, G>A. VCF-style: chr3-119365366-G-A. GRCh37 (hg19) VCF-style: chr3-119084213-G-A.
Other names: short protein forms V51M.
Identifiers: ClinVar variation 4702128 (VCV004702128.2).

ClinVar aggregate classification (germline): Uncertain significance. Review status: criteria provided, multiple submitters, no conflicts (2 of 4 stars). 2 submissions from 2 submitters: Uncertain significance (2). Last evaluated 2026-06-18.

gnomAD v4.1: 4 of 1,614,106 alleles (0.00025%); highest among the groups gnomAD compares: Non-Finnish European, 0.00025%; no homozygotes.

Submissions (2):

Women's Health and Genetics/Laboratory Corporation of America, LabCorp
Classification: Uncertain significance. Last evaluated: 2026-06-18. Review status: criteria provided, single submitter. Criteria: LabCorp Variant Classification Summary - May 2015. Collection method: clinical testing. Allele origin: germline.
Comment: Variant summary: ARHGAP31 c.151G>A (p.Val51Met) results in a conservative amino acid change in the encoded protein sequence. Algorithms developed to predict the effect of missense changes on protein structure and function are either unavailable or do not agree on the potential impact of this missense change. The variant allele was found at a frequency of 8e-06 in 248920 control chromosomes. The available data on variant occurrences in the general population are insufficient to allow any conclusion about variant significance. To our knowledge, no occurrence of c.151G>A in individuals affected with ARHGAP31-related conditions and no experimental evidence demonstrating its impact on protein function have been reported. ClinVar contains an entry for this variant (Variation ID: 4702128). Based on the evidence outlined above, the variant was classified as uncertain significance.

Labcorp Genetics (formerly Invitae), Labcorp
Classification: Uncertain significance. Last evaluated: 2025-02-01. Review status: criteria provided, single submitter. Criteria: Invitae Variant Classification Sherloc (09022015). Collection method: clinical testing. Allele origin: germline.
Comment: This sequence change replaces valine, which is neutral and non-polar, with methionine, which is neutral and non-polar, at codon 51 of the ARHGAP31 protein (p.Val51Met). This variant is present in population databases (no rsID available, gnomAD 0.002%). This variant has not been reported in the literature in individuals affected with ARHGAP31-related conditions. An algorithm developed to predict the effect of missense changes on protein structure and function (PolyPhen-2) suggests that this variant is likely to be disruptive. In summary, the available evidence is currently insufficient to determine the role of this variant in disease. Therefore, it has been classified as a Variant of Uncertain Significance.